The following is an entry in ClinVar:

NM_004618.5(TOP3A):c.1614T>C (p.His538=)

Gene: TOP3A (DNA topoisomerase III alpha; minus strand). Cytogenetic location: 17p11.2.
Variant type: single nucleotide variant.
Coding change: c.1614T>C on transcript NM_004618.5 (MANE Select); coding-DNA position 1614, T replaced by C.
Protein change: p.His538=; no amino-acid change (histidine 538 retained).
Molecular consequence: synonymous variant.
Genome position (GRCh38, 1-based): chr17:18,285,504, A>G on the plus strand (T>C on the coding strand, the complement: TOP3A is on the minus strand). VCF-style: chr17-18285504-A-G. GRCh37 (hg19) VCF-style: chr17-18188818-A-G.
Other names: c.1614T>C (NM_004618.4); c.1329T>C, p.His443= (NM_001320759.2).
Identifiers: ClinVar variation 1562536 (VCV001562536.35), dbSNP rs146672820, ClinGen allele CA8429839.
Genomic context (GRCh38, chr17:18,285,504, plus strand): 5'-CCGCTTGTCTGGGGTGAGGCCCACGTACATCCGGGCTTTGATGGTCTCGATGTGCTCCGC[A>G]TGAGTGGCATCCGTACCTGGAAGCCACTTGCTGGTTACTCTGAGGTAATACAGACAACAG-3'
Protein context (NP_004609.1, residues 528-548): EKHGIGTDAT[His538=]AEHIETIKAR

ClinVar aggregate classification (germline): Benign/Likely benign. Review status: criteria provided, multiple submitters, no conflicts (2 of 4 stars). 6 submissions from 6 submitters: Benign (2); Likely benign (3). 1 of the submissions does not count toward it. Last evaluated 2026-01-26.

Conditions:
TOP3A-related disorder. Also called: TOP3A-related condition; TOP3A-related disorders.

Allele frequency attached by ClinVar (database versions not stated): ExAC 0.00074; gnomAD exomes 0.00078; gnomAD 0.00088 and 0.00101; ESP Exome Variant Server 0.00100; TOPMed 0.00151; 1000 Genomes Project 30x 0.00156; 1000 Genomes Project 0.00160.
gnomAD v4.1: 817 of 1,613,894 alleles (0.051%); highest among the groups gnomAD compares: Middle Eastern, 0.59%; 1 homozygote.

Submissions (6):

Labcorp Genetics (formerly Invitae), Labcorp
Classification: Benign. Last evaluated: 2026-01-26. Review status: criteria provided, single submitter. Criteria: Invitae Variant Classification Sherloc (09022015). Collection method: clinical testing. Allele origin: germline.

CeGaT Center for Human Genetics Tuebingen
Classification: Likely benign. Last evaluated: 2025-05-01. Review status: criteria provided, single submitter. Criteria: CeGaT Center For Human Genetics Tuebingen Variant Classification Criteria Version 2. Collection method: clinical testing. Allele origin: germline. Affected: yes. Observed: 3 variant alleles.
Comment: TOP3A: BP4, BP7

Laboratory of Genetics, Children's Clinical University Hospital Latvia
Classification: Likely benign. Last evaluated: 2025-02-16. Review status: criteria provided, single submitter. Criteria: ACMG Guidelines, 2015. Collection method: clinical testing. Allele origin: germline. Affected: yes.

Blueprint Genetics
Classification: Likely benign. Last evaluated: 2024-10-17. Review status: criteria provided, single submitter. Criteria: ACMG Guidelines, 2015. Collection method: clinical testing. Allele origin: germline.

Breakthrough Genomics
Classification: Benign. Review status: criteria provided, single submitter. Criteria: ACMG Guidelines, 2015. Collection method: not provided. Allele origin: germline. Inheritance: Autosomal recessive inheritance. Affected: yes.

PreventionGenetics, part of Exact Sciences
Classification: Likely benign for TOP3A-related condition. Last evaluated: 2019-06-27. Review status: no assertion criteria provided. Collection method: clinical testing. Allele origin: germline. Not counted in ClinVar's aggregate classification.
Comment: This variant is classified as likely benign based on ACMG/AMP sequence variant interpretation guidelines (Richards et al. 2015 PMID: 25741868, with internal and published modifications).